The following is an entry in ClinVar:

ClinVar aggregate classification (germline): Uncertain significance (1 of 4 stars; one submission).

Conditions:
Candidiasis, familial, 9 (CANDF9). Identifiers: Orphanet 1334, MedGen C4225324, MONDO:0014642, OMIM 616445.

Allele frequency attached by ClinVar (database versions not stated): gnomAD exomes below 0.00001.

Submission:

Labcorp Genetics (formerly Invitae), Labcorp
Classification: Uncertain significance for Candidiasis, familial, 9. Last evaluated: 2024-02-24. Review status: criteria provided, single submitter. Criteria: Invitae Variant Classification Sherloc (09022015). Collection method: clinical testing. Allele origin: germline.
Comment: This sequence change replaces asparagine, which is neutral and polar, with serine, which is neutral and polar, at codon 291 of the IL17RC protein (p.Asn291Ser). This variant is not present in population databases (gnomAD no frequency). This variant has not been reported in the literature in individuals affected with IL17RC-related conditions. ClinVar contains an entry for this variant (Variation ID: 648783). Algorithms developed to predict the effect of missense changes on protein structure and function output the following: SIFT: "Not Available"; PolyPhen-2: "Benign"; Align-GVGD: "Not Available". The serine amino acid residue is found in multiple mammalian species, which suggests that this missense change does not adversely affect protein function. In summary, the available evidence is currently insufficient to determine the role of this variant in disease. Therefore, it has been classified as a Variant of Uncertain Significance.

NM_153460.4(IL17RC):c.659A>G (p.Asn220Ser)

Gene: IL17RC (interleukin 17 receptor C; plus strand). Cytogenetic location: 3p25.3.
Variant type: single nucleotide variant.
Coding change: c.659A>G on transcript NM_153460.4 (MANE Select); coding-DNA position 659, A replaced by G.
Protein change: p.Asn220Ser; replaces asparagine 220 with serine.
Molecular consequence: missense variant. On other transcripts: non-coding transcript variant (1).
Genome position (GRCh38, 1-based): chr3:9,923,917, A>G. VCF-style: chr3-9923917-A-G. GRCh37 (hg19) VCF-style: chr3-9965601-A-G.
Other names: c.659A>G, p.Asn220Ser (NM_001203263.2, NM_001203264.2, NM_001367278.1); c.614A>G, p.Asn205Ser (NM_001203265.2, NM_001367280.1, NM_032732.6); c.539A>G, p.Asn180Ser (NM_001367279.1); c.872A>G, p.Asn291Ser (NM_153461.4); short protein forms N180S, N291S, N220S, N205S.
Identifiers: ClinVar variation 648783 (VCV000648783.5), dbSNP rs1575557307, ClinGen allele CA351759467.